The following is an entry in ClinVar:

NM_012318.3(LETM1):c.2065G>A (p.Val689Ile)

Gene: LETM1 (leucine zipper and EF-hand containing transmembrane protein 1; minus strand). Cytogenetic location: 4p16.3.
Variant type: single nucleotide variant.
Coding change: c.2065G>A on transcript NM_012318.3 (MANE Select); coding-DNA position 2065, G replaced by A.
Protein change: p.Val689Ile; replaces valine 689 with isoleucine.
Molecular consequence: missense variant.
Genome position (GRCh38, 1-based): chr4:1,815,669, C>T on the plus strand (G>A on the coding strand, the complement: LETM1 is on the minus strand). VCF-style: chr4-1815669-C-T. GRCh37 (hg19) VCF-style: chr4-1817396-C-T.
Other names: short protein forms V689I.
Identifiers: ClinVar variation 2198229 (VCV002198229.4), dbSNP rs764388123, ClinGen allele CA2811071.

ClinVar aggregate classification (germline): Uncertain significance (1 of 4 stars; one submission).

Allele frequency attached by ClinVar (database versions not stated): ExAC 0.00001; TOPMed 0.00001; gnomAD 0.00002.
gnomAD v4.1: 13 of 1,614,016 alleles (0.00081%); highest among the groups gnomAD compares: South Asian, 0.0033%; no homozygotes.

Submission:

Labcorp Genetics (formerly Invitae), Labcorp
Classification: Uncertain significance. Last evaluated: 2022-11-07. Review status: criteria provided, single submitter. Criteria: Invitae Variant Classification Sherloc (09022015). Collection method: clinical testing. Allele origin: germline.
Comment: This variant has not been reported in the literature in individuals affected with LETM1-related conditions. Algorithms developed to predict the effect of missense changes on protein structure and function (SIFT, PolyPhen-2, Align-GVGD) all suggest that this variant is likely to be tolerated. In summary, the available evidence is currently insufficient to determine the role of this variant in disease. Therefore, it has been classified as a Variant of Uncertain Significance. This sequence change replaces valine, which is neutral and non-polar, with isoleucine, which is neutral and non-polar, at codon 689 of the LETM1 protein (p.Val689Ile). This variant is present in population databases (rs764388123, gnomAD 0.007%).